The following is an entry in ClinVar:

ClinVar aggregate classification (germline): Uncertain significance. Review status: criteria provided, multiple submitters, no conflicts (2 of 4 stars). 2 submissions from 2 submitters: Uncertain significance (2). Last evaluated 2026-06-24.

Conditions:
Inborn genetic diseases. Identifiers: MedGen C0950123, MeSH D030342.

gnomAD v4.1: 2 of 1,613,984 alleles (0.00012%); highest among the groups gnomAD compares: African/African-American, 0.0013%; no homozygotes.

Submissions (2):

Ambry Genetics
Classification: Uncertain significance for Inborn genetic diseases. Last evaluated: 2026-06-24. Review status: criteria provided, single submitter. Criteria: Ambry Variant Classification Scheme 2023. Collection method: clinical testing. Allele origin: germline.

Women's Health and Genetics/Laboratory Corporation of America, LabCorp
Classification: Uncertain significance. Last evaluated: 2024-07-09. Review status: criteria provided, single submitter. Criteria: LabCorp Variant Classification Summary - May 2015. Collection method: clinical testing. Allele origin: germline.
Comment: Variant summary: VWF c.2440A>C (p.Met814Leu) results in a conservative amino acid change in the encoded protein sequence three nucleotides from the exon 18/intron 18 5' splice donor junction. Three of five in-silico tools predict a benign effect of the variant on protein function. Consensus agreement among computation tools predict no significant impact on normal splicing. However, these predictions have yet to be confirmed by functional studies. The variant was absent in 251002 control chromosomes. The available data on variant occurrences in the general population are insufficient to allow any conclusion about variant significance. To our knowledge, no occurrence of c.2440A>C in individuals affected with Von Willebrand Disease and no experimental evidence demonstrating its impact on protein function have been reported. No submitters have cited clinical-significance assessments for this variant to ClinVar. Based on the evidence outlined above, the variant was classified as uncertain significance.

NM_000552.5(VWF):c.2440A>C (p.Met814Leu)

Gene: VWF (von Willebrand factor; minus strand). Cytogenetic location: 12p13.31.
Variant type: single nucleotide variant.
Coding change: c.2440A>C on transcript NM_000552.5 (MANE Select); coding-DNA position 2440, A replaced by C.
Protein change: p.Met814Leu; replaces methionine 814 with leucine.
Molecular consequence: missense variant.
Genome position (GRCh38, 1-based): chr12:6,044,293, T>G on the plus strand (A>C on the coding strand, the complement: VWF is on the minus strand). VCF-style: chr12-6044293-T-G. GRCh37 (hg19) VCF-style: chr12-6153459-T-G.
Other names: c.2440A>C (NM_000552.3); short protein forms M814L.
Identifiers: ClinVar variation 3339031 (VCV003339031.2).